The following is an entry in ClinVar:

NM_006397.3(RNASEH2A):c.205_208del (p.Lys69fs)

Gene: RNASEH2A (ribonuclease H2 subunit A; plus strand). Cytogenetic location: 19p13.13.
Variant type: Deletion.
Coding change: c.205_208del on transcript NM_006397.3 (MANE Select); coding-DNA positions 205 to 208, 4 bases deleted (AAGA; older notation c.205_208delAAGA).
Protein change: p.Lys69fs; shifts the reading frame from lysine 69.
Molecular consequence: frameshift variant.
Genome position (GRCh38, 1-based): chr19:12,807,211-12,807,214, AAGA deleted; deleting any 4 consecutive bases within chr19:12,807,210-12,807,214 gives the same sequence; the c. name uses the placement nearest the transcript's 3' end. VCF-style (leftmost placement, unchanged base first): chr19-12807209-CAAAG-C. GRCh37 (hg19) VCF-style: chr19-12918023-CAAAG-C.
Other names: short protein forms K69fs.
Identifiers: ClinVar variation 3703598 (VCV003703598.2).

ClinVar aggregate classification (germline): Pathogenic (1 of 4 stars; one submission).

Conditions:
Aicardi-Goutieres syndrome 4. Identifiers: Orphanet 51, MedGen C1835912, MONDO:0012472, OMIM 610333.

Submission:

Labcorp Genetics (formerly Invitae), Labcorp
Classification: Pathogenic for Aicardi-Goutieres syndrome 4. Last evaluated: 2024-07-18. Review status: criteria provided, single submitter. Criteria: Invitae Variant Classification Sherloc (09022015). Collection method: clinical testing. Allele origin: germline.
Comment: This sequence change creates a premature translational stop signal (p.Lys69Profs*44) in the RNASEH2A gene. It is expected to result in an absent or disrupted protein product. Loss-of-function variants in RNASEH2A are known to be pathogenic (PMID: 21454563, 25274781). This variant is not present in population databases (gnomAD no frequency). This variant has not been reported in the literature in individuals affected with RNASEH2A-related conditions. For these reasons, this variant has been classified as Pathogenic.

Literature cited by the submitters: PubMed 21454563; PubMed 25274781.